The following is an entry in ClinVar:

ClinVar aggregate classification (germline): Uncertain significance (1 of 4 stars; one submission).

Conditions:
GPT2-related neurodevelopmental disorder.
Inborn genetic diseases. Identifiers: MedGen C0950123, MeSH D030342.

Submission:

Ambry Genetics
Classification: Uncertain significance for Inborn genetic diseases. Last evaluated: 2025-06-05. Review status: criteria provided, single submitter. Criteria: Ambry Variant Classification Scheme 2023. Collection method: clinical testing. Allele origin: germline.
Comment: The c.1037+5G>C intronic alteration results from a G to C substitution 5 nucleotides after coding exon 7 the GPT2 gene. This variant was not reported in population-based cohorts in the Genome Aggregation Database (gnomAD). This nucleotide position is highly conserved in available vertebrate species. In silico splice site analysis predicts that this alteration will weaken the native splice donor site and will result in the creation or strengthening of a novel splice donor site. Based on insufficient or conflicting evidence, the clinical significance of this alteration remains unclear.

NM_133443.4(GPT2):c.1037+5G>C

Gene: GPT2 (glutamic--pyruvic transaminase 2; plus strand). Cytogenetic location: 16q11.2.
Variant type: single nucleotide variant.
Coding change: c.1037+5G>C on transcript NM_133443.4 (MANE Select); 5 bases into the intron after coding-DNA position 1037, G replaced by C.
Molecular consequence: intron variant.
Genome position (GRCh38, 1-based): chr16:46,918,762, G>C. VCF-style: chr16-46918762-G-C. GRCh37 (hg19) VCF-style: chr16-46952674-G-C.
Other names: c.737+5G>C (NM_001142466.3); c.1037+5G>C (NM_133443.2).
Identifiers: ClinVar variation 1810308 (VCV001810308.6), dbSNP rs1277787958, ClinGen allele CA2575982482.